The following is an entry in ClinVar:

NM_152296.5(ATP1A3):c.1654G>A (p.Glu552Lys)

Gene: ATP1A3 (ATPase Na+/K+ transporting subunit alpha 3; minus strand). Cytogenetic location: 19q13.2.
Variant type: single nucleotide variant.
Coding change: c.1654G>A on transcript NM_152296.5 (MANE Select); coding-DNA position 1654, G replaced by A.
Protein change: p.Glu552Lys; replaces glutamic acid 552 with lysine.
Molecular consequence: missense variant.
Genome position (GRCh38, 1-based): chr19:41,978,303, C>T on the plus strand (G>A on the coding strand, the complement: ATP1A3 is on the minus strand). VCF-style: chr19-41978303-C-T. GRCh37 (hg19) VCF-style: chr19-42482455-C-T.
Other names: c.1687G>A, p.Glu563Lys (NM_001256213.2); c.1693G>A, p.Glu565Lys (NM_001256214.2); c.1654G>A (NM_152296.4); short protein forms E552K, E563K, E565K.
Identifiers: ClinVar variation 3391347 (VCV003391347.2).
Genomic context (GRCh38, chr19:41,978,303, plus strand): 5'-TGTCCGTGGTGAAGTTCACGTCATCACAGTCGAAGGCAAAGCCCTTGGGGAACTGCTCCT[C>T]GGGCAGGTAATAATGGCAGAAACCTAGTGGCAGGGAAGGGTTGGGGTGTGAGGGTCCCAG-3'
Protein context (NP_689509.1, residues 542-562): VLGFCHYYLP[Glu552Lys]EQFPKGFAFD

ClinVar aggregate classification (germline): Uncertain significance. Review status: criteria provided, multiple submitters, no conflicts (2 of 4 stars). 2 submissions from 2 submitters: Uncertain significance (2). Last evaluated 2025-05-29.

Conditions:
Developmental and epileptic encephalopathy 99. Identifiers: MedGen C5562018, MONDO:0030473, OMIM 619606.

gnomAD v4.1: 2 of 1,606,990 alleles (0.00012%); no homozygotes.

Submissions (2):

GeneDx
Classification: Uncertain significance. Last evaluated: 2025-05-29. Review status: criteria provided, single submitter. Criteria: GeneDx Variant Classification Process June 2021. Collection method: clinical testing. Allele origin: germline. Affected: yes.
Comment: Not observed at significant frequency in large population cohorts (gnomAD); In silico analysis suggests that this missense variant does not alter protein structure/function; Has not been previously published as pathogenic or benign to our knowledge

Neuberg Centre For Genomic Medicine, NCGM
Classification: Uncertain significance for Developmental and epileptic encephalopathy 99. Review status: criteria provided, single submitter. Criteria: ACMG Guidelines, 2015. Collection method: clinical testing. Allele origin: germline. Inheritance: Autosomal dominant inheritance. Affected: yes.
Comment: The missense c.1654G>Ap.Glu552Lys variant in ATP1A3 gene has not been reported previously as a pathogenic variant nor as a benign variant, to our knowledge. The p.Glu552Lys variant is present with allele frequency of 0.0004% in gnomAD Exomes. The p.Glu552Lys variant has not been submitted to the ClinVar database. Computational evidence Polyphen - Benign, SIFT - Tolerated and MutationTaster -Disease causing predicts conflicting evidence on protein structure and function for this variant. The reference amino acid at this position is predicted as conserved by GERP++ and PhyloP across 100 vertebrates. The amino acid Glu at position 552 is changed to a Lys changing protein sequence and it might alter its composition and physico-chemical properties. For these reasons, this variant has been classified as Variant of Uncertain Significance VUS.